The following is an entry in ClinVar:

ClinVar aggregate classification (germline): Uncertain significance (1 of 4 stars; one submission).

Submission:

Labcorp Genetics (formerly Invitae), Labcorp
Classification: Uncertain significance. Last evaluated: 2025-04-15. Review status: criteria provided, single submitter. Criteria: Invitae Variant Classification Sherloc (09022015). Collection method: clinical testing. Allele origin: germline.
Comment: This sequence change replaces asparagine, which is neutral and polar, with tyrosine, which is neutral and polar, at codon 59 of the TNNI3K protein (p.Asn59Tyr). This variant is not present in population databases (gnomAD no frequency). This variant has not been reported in the literature in individuals affected with TNNI3K-related conditions. Invitae Evidence Modeling of protein sequence and biophysical properties (such as structural, functional, and spatial information, amino acid conservation, physicochemical variation, residue mobility, and thermodynamic stability) indicates that this missense variant is not expected to disrupt TNNI3K protein function with a negative predictive value of 80%. In summary, the available evidence is currently insufficient to determine the role of this variant in disease. Therefore, it has been classified as a Variant of Uncertain Significance.

NM_015978.3(TNNI3K):c.175A>T (p.Asn59Tyr)

Genes: TNNI3K (TNNI3 interacting kinase; plus strand), FPGT-TNNI3K (FPGT-TNNI3K readthrough; plus strand). Cytogenetic location: 1p31.1.
Variant type: single nucleotide variant.
Coding change: c.175A>T on transcript NM_015978.3 (MANE Select); coding-DNA position 175, A replaced by T.
Protein change: p.Asn59Tyr; replaces asparagine 59 with tyrosine.
Molecular consequence: missense variant.
Genome position (GRCh38, 1-based): chr1:74,249,484, A>T. VCF-style: chr1-74249484-A-T. GRCh37 (hg19) VCF-style: chr1-74715168-A-T.
Other names: c.478A>T, p.Asn160Tyr (NM_001112808.3, NM_001199327.2); short protein forms N59Y, N160Y.
Identifiers: ClinVar variation 4742212 (VCV004742212.1).
Genomic context (GRCh38, chr1:74,249,484, plus strand): 5'-GAATTTTGTGATCATCTGTAACATGTTTTTTTCAGCTCTGATGAAGCCTTCAGTAAAGTC[A>T]ATTTAAATTACCGCACTGAAAATGGGCTGTCTCTACTTCATTTATGTTGCATTTGTGGAG-3'
Protein context (NP_057062.1, residues 49-69): FGSDEAFSKV[Asn59Tyr]LNYRTENGLS